The following is an entry in ClinVar:

ClinVar aggregate classification (germline): Conflicting classifications of pathogenicity. Review status: criteria provided, conflicting classifications (1 of 4 stars). 3 submissions from 3 submitters: Likely pathogenic (1); Uncertain significance (2). Last evaluated 2022-02-08.

Conditions:
Hypohidrotic X-linked ectodermal dysplasia (XHED). Also called: Ectodermal Dysplasia 1, Anhidrotic; ECTODERMAL DYSPLASIA 1, HYPOHIDROTIC, X-LINKED; Anhidrotic ectodermal dysplasia X-linked; Christ Siemens Touraine syndrome; ECTODERMAL DYSPLASIA 1, HYPOHIDROTIC/HAIR/TOOTH TYPE, X-LINKED; Christ-Siemans-Touraine syndrome. Identifiers: Orphanet 181, Orphanet 238468, MedGen C0162359, MONDO:0010585, OMIM 305100.

Submissions (3):

Blueprint Genetics
Classification: Uncertain significance. Last evaluated: 2022-02-08. Review status: criteria provided, single submitter. Criteria: ACMG Guidelines, 2015. Collection method: clinical testing. Allele origin: germline.

GeneDx
Classification: Likely pathogenic. Last evaluated: 2019-12-24. Review status: criteria provided, single submitter. Criteria: GeneDx Variant Classification Process June 2021. Collection method: clinical testing. Allele origin: germline. Affected: yes.
Comment: Not observed in large population cohorts (Lek et al., 2016); In silico analysis, which includes protein predictors and evolutionary conservation, supports a deleterious effect; The majority of missense variants in this gene are considered pathogenic (Stenson et al., 2014); Has not been previously published as pathogenic or benign to our knowledge

Labcorp Genetics (formerly Invitae), Labcorp
Classification: Uncertain significance for Hypohidrotic X-linked ectodermal dysplasia. Last evaluated: 2019-07-21. Review status: criteria provided, single submitter. Criteria: Invitae Variant Classification Sherloc (09022015). Collection method: clinical testing. Allele origin: germline.
Comment: In summary, the available evidence is currently insufficient to determine the role of this variant in disease. Therefore, it has been classified as a Variant of Uncertain Significance. This sequence change replaces proline with serine at codon 216 of the EDA protein (p.Pro216Ser). The proline residue is highly conserved and there is a moderate physicochemical difference between proline and serine. This variant is not present in population databases (ExAC no frequency). This variant has not been reported in the literature in individuals with EDA-related conditions. ClinVar contains an entry for this variant (Variation ID: 451339). Algorithms developed to predict the effect of missense changes on protein structure and function are either unavailable or do not agree on the potential impact of this missense change (SIFT: "Deleterious"; PolyPhen-2: "Not Available"; Align-GVGD: "Class C65").

NM_001399.5(EDA):c.646C>T (p.Pro216Ser)

Gene: EDA (ectodysplasin A; plus strand). Cytogenetic location: Xq13.1.
Variant type: single nucleotide variant.
Coding change: c.646C>T on transcript NM_001399.5 (MANE Select); coding-DNA position 646, C replaced by T.
Protein change: p.Pro216Ser; replaces proline 216 with serine.
Molecular consequence: missense variant.
Genome position (GRCh38, 1-based): chrX:70,027,976, C>T. VCF-style: chrX-70027976-C-T. GRCh37 (hg19) VCF-style: chrX-69247826-C-T.
Other names: c.646C>T, p.Pro216Ser (NM_001005609.2, NM_001005612.3); short protein forms P216S.
Identifiers: ClinVar variation 451339 (VCV000451339.13), dbSNP rs1556098806, ClinGen allele CA413448418.